The following is an entry in ClinVar:

ClinVar aggregate classification (germline): Uncertain significance (1 of 4 stars; one submission).

Allele frequency attached by ClinVar (database versions not stated): ExAC 0.00001; gnomAD exomes 0.00001.
gnomAD v4.1: 3 of 1,607,882 alleles (0.00019%); highest among the groups gnomAD compares: South Asian, 0.0033%; no homozygotes.

Submission:

Labcorp Genetics (formerly Invitae), Labcorp
Classification: Uncertain significance. Last evaluated: 2023-08-30. Review status: criteria provided, single submitter. Criteria: Invitae Variant Classification Sherloc (09022015). Collection method: clinical testing. Allele origin: germline.
Comment: This variant is present in population databases (rs752207030, gnomAD 0.007%). In summary, the available evidence is currently insufficient to determine the role of this variant in disease. Therefore, it has been classified as a Variant of Uncertain Significance. Advanced modeling of protein sequence and biophysical properties (such as structural, functional, and spatial information, amino acid conservation, physicochemical variation, residue mobility, and thermodynamic stability) has been performed at Invitae for this missense variant, however the output from this modeling did not meet the statistical confidence thresholds required to predict the impact of this variant on PCDH15 protein function. ClinVar contains an entry for this variant (Variation ID: 1934307). This variant has not been reported in the literature in individuals affected with PCDH15-related conditions. This sequence change replaces glutamic acid, which is acidic and polar, with aspartic acid, which is acidic and polar, at codon 223 of the PCDH15 protein (p.Glu223Asp).

NM_001384140.1(PCDH15):c.669A>C (p.Glu223Asp)

Gene: PCDH15 (protocadherin related 15; minus strand). Cytogenetic location: 10q21.1.
Variant type: single nucleotide variant.
Coding change: c.669A>C on transcript NM_001384140.1 (MANE Select); coding-DNA position 669, A replaced by C.
Protein change: p.Glu223Asp; replaces glutamic acid 223 with aspartic acid.
Molecular consequence: missense variant. On other transcripts: intron variant (1).
Genome position (GRCh38, 1-based): chr10:54,329,632, T>G on the plus strand (A>C on the coding strand, the complement: PCDH15 is on the minus strand). VCF-style: chr10-54329632-T-G. GRCh37 (hg19) VCF-style: chr10-56089392-T-G.
Other names: c.684A>C, p.Glu228Asp (NM_001142763.2, NM_001142769.4, NM_001142771.2); c.669A>C, p.Glu223Asp (NM_001142764.2, NM_001142765.2, NM_001142766.2 and 7 more transcripts); c.603A>C, p.Glu201Asp (NM_001142768.2, NM_001142773.2, NM_001354404.2); c.595-12191A>C (NM_001142767.2); short protein forms E228D, E201D, E223D.
Identifiers: ClinVar variation 1934307 (VCV001934307.5), dbSNP rs752207030, ClinGen allele CA5506628.